The following is an entry in ClinVar:

NM_004646.4(NPHS1):c.2931T>G (p.Tyr977Ter)

Gene: NPHS1 (NPHS1 adhesion molecule, nephrin; minus strand). Cytogenetic location: 19q13.12.
Variant type: single nucleotide variant.
Coding change: c.2931T>G on transcript NM_004646.4 (MANE Select); coding-DNA position 2931, T replaced by G.
Protein change: p.Tyr977Ter; replaces tyrosine 977 with a stop codon.
Molecular consequence: nonsense.
Genome position (GRCh38, 1-based): chr19:35,839,415, A>C on the plus strand (T>G on the coding strand, the complement: NPHS1 is on the minus strand). VCF-style: chr19-35839415-A-C. GRCh37 (hg19) VCF-style: chr19-36330317-A-C.
Other names: short protein forms Y977*.
Identifiers: ClinVar variation 1809715 (VCV001809715.1), dbSNP rs2146816347, ClinGen allele CA405385538.

ClinVar aggregate classification (germline): Pathogenic (1 of 4 stars; one submission).

Submission:

Athena Diagnostics
Classification: Pathogenic. Last evaluated: 2019-11-08. Review status: criteria provided, single submitter. Criteria: Athena Diagnostics Criteria. Collection method: clinical testing. Allele origin: unknown.
Comment: This variant is expected to result in the loss of a functional protein. This variant has been identified in at least one individual with clinical features associated with this gene. This variant has not been reported in large, multi-ethnic general populations.This observation is not an independent occurrence and has been identified in the same individual by RCIGM, the other laboratory participating in the GEMINI study.